The following is an entry in ClinVar:

ClinVar aggregate classification (germline): Benign (1 of 4 stars; one submission).

Conditions:
Neurofibromatosis, type 1 (NF1). Also called: VON RECKLINGHAUSEN DISEASE; NEUROFIBROMATOSIS, TYPE I, SOMATIC; Peripheral type neurofibromatosis; Neurofibromatosis, type I. Identifiers: Orphanet 636, MedGen C0027831, MONDO:0018975, OMIM 162200. Disease mechanism: loss of function.

gnomAD v4.1: 15 of 1,613,956 alleles (0.00093%); highest among the groups gnomAD compares: Non-Finnish European, 0.0013%; no homozygotes.

Submission:

Myriad Genetics, Inc.
Classification: Benign for Neurofibromatosis, type 1. Last evaluated: 2026-09-23. Review status: criteria provided, single submitter. Criteria: Myriad Autosomal Dominant, Autosomal Recessive and X-Linked Classification Criteria (2023). Collection method: clinical testing. Allele origin: unknown.
Comment: This variant is considered benign. This variant occurs in the non-coding 3' untranslated region of the gene, and is not expected to impact protein function.

NM_001042492.3(NF1):c.*10G>A

Gene: NF1 (neurofibromin 1; plus strand). Cytogenetic location: 17q11.2.
Variant type: single nucleotide variant.
Coding change: c.*10G>A on transcript NM_001042492.3 (MANE Select); 10 bases downstream of the stop codon, G replaced by A.
Molecular consequence: 3 prime UTR variant.
Genome position (GRCh38, 1-based): chr17:31,374,165, G>A. VCF-style: chr17-31374165-G-A. GRCh37 (hg19) VCF-style: chr17-29701183-G-A.
Other names: c.*10G>A (NM_000267.4).
Identifiers: ClinVar variation 5042480 (VCV005042480.1).